The following is an entry in ClinVar:

ClinVar aggregate classification (germline): Uncertain significance. Review status: criteria provided, multiple submitters, no conflicts (2 of 4 stars). 3 submissions from 3 submitters: Uncertain significance (2). 1 of the submissions does not count toward it. Last evaluated 2023-08-19.

Conditions:
Fanconi anemia (FA). Also called: Fanconi's anemia. Identifiers: Orphanet 84, MedGen C0015625, MeSH D005199, MONDO:0019391.
Fanconi anemia complementation group A (FANCA). Also called: FANCA-Related Fanconi Anemia; Fanconi anemia, group A. Identifiers: Orphanet 84, MedGen C3469521, MONDO:0009215, OMIM 227650.

Allele frequency attached by ClinVar (database versions not stated): gnomAD exomes 0.00002; TOPMed 0.00004; gnomAD 0.00006 and 0.00009; ESP Exome Variant Server 0.00008; ExAC 0.00010.
gnomAD v4.1: 22 of 1,594,102 alleles (0.0014%); highest among the groups gnomAD compares: African/African-American, 0.017%; no homozygotes.

Submissions (3):

Labcorp Genetics (formerly Invitae), Labcorp
Classification: Uncertain significance for Fanconi anemia. Last evaluated: 2023-08-19. Review status: criteria provided, single submitter. Criteria: Invitae Variant Classification Sherloc (09022015). Collection method: clinical testing. Allele origin: germline.
Comment: Advanced modeling of protein sequence and biophysical properties (such as structural, functional, and spatial information, amino acid conservation, physicochemical variation, residue mobility, and thermodynamic stability) performed at Invitae indicates that this missense variant is expected to disrupt FANCA protein function. In summary, the available evidence is currently insufficient to determine the role of this variant in disease. Therefore, it has been classified as a Variant of Uncertain Significance. ClinVar contains an entry for this variant (Variation ID: 969927). This variant has not been reported in the literature in individuals affected with FANCA-related conditions. The frequency data for this variant in the population databases is considered unreliable, as metrics indicate poor data quality at this position in the gnomAD database. This sequence change replaces proline, which is neutral and non-polar, with leucine, which is neutral and non-polar, at codon 759 of the FANCA protein (p.Pro759Leu).

Fulgent Genetics
Classification: Uncertain significance for Fanconi anemia complementation group A. Last evaluated: 2021-12-15. Review status: criteria provided, single submitter. Criteria: ACMG Guidelines, 2015. Collection method: clinical testing. Allele origin: unknown.

Natera, Inc.
Classification: Uncertain significance for Fanconi anemia. Last evaluated: 2020-09-23. Review status: no assertion criteria provided. Collection method: clinical testing. Allele origin: germline. Not counted in ClinVar's aggregate classification.

NM_000135.4(FANCA):c.2276C>T (p.Pro759Leu)

Gene: FANCA (FA complementation group A; minus strand). Cytogenetic location: 16q24.3.
Variant type: single nucleotide variant.
Coding change: c.2276C>T on transcript NM_000135.4 (MANE Select); coding-DNA position 2276, C replaced by T.
Protein change: p.Pro759Leu; replaces proline 759 with leucine.
Molecular consequence: missense variant.
Genome position (GRCh38, 1-based): chr16:89,770,206, G>A on the plus strand (C>T on the coding strand, the complement: FANCA is on the minus strand). VCF-style: chr16-89770206-G-A. GRCh37 (hg19) VCF-style: chr16-89836614-G-A.
Other names: c.2276C>T, p.Pro759Leu (NM_001286167.3); short protein forms P759L.
Identifiers: ClinVar variation 969927 (VCV000969927.13), dbSNP rs373147908, ClinGen allele CA8251804.